The following is an entry in ClinVar:

ClinVar aggregate classification (germline): Uncertain significance (1 of 4 stars; one submission).

gnomAD v4.1: 33 of 1,613,442 alleles (0.002%); highest among the groups gnomAD compares: Non-Finnish European, 0.0024%; no homozygotes.

Submission:

Labcorp Genetics (formerly Invitae), Labcorp
Classification: Uncertain significance. Last evaluated: 2025-02-02. Review status: criteria provided, single submitter. Criteria: Invitae Variant Classification Sherloc (09022015). Collection method: clinical testing. Allele origin: germline.
Comment: This sequence change replaces cysteine, which is neutral and slightly polar, with tryptophan, which is neutral and slightly polar, at codon 475 of the C7 protein (p.Cys475Trp). This variant is present in population databases (no rsID available, gnomAD 0.01%). This variant has not been reported in the literature in individuals affected with C7-related conditions. Invitae Evidence Modeling of protein sequence and biophysical properties (such as structural, functional, and spatial information, amino acid conservation, physicochemical variation, residue mobility, and thermodynamic stability) indicates that this missense variant is expected to disrupt C7 protein function with a positive predictive value of 80%. In summary, the available evidence is currently insufficient to determine the role of this variant in disease. Therefore, it has been classified as a Variant of Uncertain Significance.

NM_000587.4(C7):c.1425C>G (p.Cys475Trp)

Gene: C7 (complement C7; plus strand). Cytogenetic location: 5p13.1.
Variant type: single nucleotide variant.
Coding change: c.1425C>G on transcript NM_000587.4 (MANE Select); coding-DNA position 1425, C replaced by G.
Protein change: p.Cys475Trp; replaces cysteine 475 with tryptophan.
Molecular consequence: missense variant.
Genome position (GRCh38, 1-based): chr5:40,958,197, C>G. VCF-style: chr5-40958197-C-G. GRCh37 (hg19) VCF-style: chr5-40958299-C-G.
Other names: short protein forms C475W.
Identifiers: ClinVar variation 3694610 (VCV003694610.2).